The following is an entry in ClinVar:

ClinVar aggregate classification (germline): Uncertain significance (1 of 4 stars; one submission).

Conditions:
Hereditary cancer-predisposing syndrome. Also called: Tumor predisposition; Hereditary Cancer Syndrome; Hereditary neoplastic syndrome; Neoplastic Syndromes, Hereditary. Identifiers: Orphanet 140162, MedGen C0027672, MeSH D009386, MONDO:0015356.

Submission:

Ambry Genetics
Classification: Uncertain significance for Hereditary cancer-predisposing syndrome. Last evaluated: 2025-11-20. Review status: criteria provided, single submitter. Criteria: Ambry Variant Classification Scheme 2023. Collection method: clinical testing. Allele origin: germline.
Comment: The Complex Rearrangement results from the insertion of an Alu-like sequence in intron 6 of the RAD51C gene and a concomitant duplication of exon 7. Mobile element insertions contribute to pathogenicity by either disrupting the coding sequence or inducing aberrant splicing (Belancio VP et al. Semin. Cancer Biol. 2010 Aug;20:200-10; Deininger P et al. Genome Biol. 2011 Dec;12:236; van der Klift HM Hum Mutat. 2012 Jul;33(7):1051-5); however, direct evidence is insufficient at this time (Ambry internal data). Based on the available evidence, the clinical significance of this variant remains unclear.

NM_058216.1:c.905-82_905-81insALU

Gene: RAD51C (RAD51 paralog C; plus strand).
Variant type: Insertion.
Identifiers: ClinVar variation 4542618 (VCV004542618.1).